The following is an entry in ClinVar:

NM_006946.4(SPTBN2):c.768C>T (p.Pro256=)

Gene: SPTBN2 (spectrin beta, non-erythrocytic 2; minus strand). Cytogenetic location: 11q13.2.
Variant type: single nucleotide variant.
Coding change: c.768C>T on transcript NM_006946.4 (MANE Select); coding-DNA position 768, C replaced by T.
Protein change: p.Pro256=; no amino-acid change (proline 256 retained).
Molecular consequence: synonymous variant.
Genome position (GRCh38, 1-based): chr11:66,713,635, G>A on the plus strand (C>T on the coding strand, the complement: SPTBN2 is on the minus strand). VCF-style: chr11-66713635-G-A. GRCh37 (hg19) VCF-style: chr11-66481106-G-A.
Identifiers: ClinVar variation 586492 (VCV000586492.33), dbSNP rs201821131, ClinGen allele CA6129584.

ClinVar aggregate classification (germline): Benign/Likely benign. Review status: criteria provided, multiple submitters, no conflicts (2 of 4 stars). 3 submissions from 3 submitters: Benign (2); Likely benign (1). Last evaluated 2025-10-10.

Allele frequency attached by ClinVar (database versions not stated): gnomAD 0.00016 and 0.00017; gnomAD exomes 0.00016 and 0.00025; 1000 Genomes Project 0.00020; TOPMed 0.00020; ExAC 0.00030; ESP Exome Variant Server 0.00031; 1000 Genomes Project 30x 0.00016.
gnomAD v4.1: 266 of 1,613,228 alleles (0.016%); highest among the groups gnomAD compares: African/African-American, 0.012%; 2 homozygotes.

Submissions (3):

Athena Diagnostics
Classification: Benign. Last evaluated: 2025-10-10. Review status: criteria provided, single submitter. Criteria: Athena Diagnostics Criteria. Collection method: clinical testing. Allele origin: unknown.
Comment: The frequency of this variant in the general population is higher than would generally be expected for pathogenic variants in this gene. Computational tools yielded predictions that this variant is unlikely to have an effect on normal RNA splicing. This nucleotide position exhibits low evolutionary conservation.

Labcorp Genetics (formerly Invitae), Labcorp
Classification: Benign. Last evaluated: 2025-02-04. Review status: criteria provided, single submitter. Criteria: Invitae Variant Classification Sherloc (09022015). Collection method: clinical testing. Allele origin: germline.

CeGaT Center for Human Genetics Tuebingen
Classification: Likely benign. Last evaluated: 2024-09-01. Review status: criteria provided, single submitter. Criteria: CeGaT Center For Human Genetics Tuebingen Variant Classification Criteria Version 2. Collection method: clinical testing. Allele origin: germline. Affected: yes. Observed: 2 variant alleles.
Comment: SPTBN2: BP4, BP7